The following is an entry in ClinVar:

NM_003823.4(TNFRSF6B):c.206C>T (p.Thr69Met)

Genes: TNFRSF6B (TNF receptor superfamily member 6b; plus strand), RTEL1-TNFRSF6B (RTEL1-TNFRSF6B readthrough (NMD candidate); plus strand). Cytogenetic location: 20q13.33.
Variant type: single nucleotide variant.
Coding change: c.206C>T on transcript NM_003823.4 (MANE Select); coding-DNA position 206, C replaced by T.
Protein change: p.Thr69Met; replaces threonine 69 with methionine.
Molecular consequence: missense variant. On other transcripts: non-coding transcript variant (1).
Genome position (GRCh38, 1-based): chr20:63,696,973, C>T. VCF-style: chr20-63696973-C-T. GRCh37 (hg19) VCF-style: chr20-62328326-C-T.
Other names: c.206C>T (NM_003823.3); short protein forms T69M.
Identifiers: ClinVar variation 1524137 (VCV001524137.10), dbSNP rs200678279, ClinGen allele CA9966362.

ClinVar aggregate classification (germline): Uncertain significance. Review status: criteria provided, multiple submitters, no conflicts (2 of 4 stars). 3 submissions from 3 submitters: Uncertain significance (3). Last evaluated 2025-12-26.

Conditions:
TNFRSF6B-related disorder. Also called: TNFRSF6B-related condition.

Allele frequency attached by ClinVar (database versions not stated): gnomAD exomes 0.00003 and 0.00007; ExAC 0.00008; ESP Exome Variant Server 0.00015; 1000 Genomes Project 30x 0.00016; 1000 Genomes Project 0.00020; gnomAD 0.00039 and 0.00040; TOPMed 0.00046.

Submissions (3):

Labcorp Genetics (formerly Invitae), Labcorp
Classification: Uncertain significance. Last evaluated: 2025-12-26. Review status: criteria provided, single submitter. Criteria: Invitae Variant Classification Sherloc (09022015). Collection method: clinical testing. Allele origin: germline.
Comment: This sequence change replaces threonine, which is neutral and polar, with methionine, which is neutral and non-polar, at codon 69 of the TNFRSF6B protein (p.Thr69Met). This variant is present in population databases (rs200678279, gnomAD 0.08%), and has an allele count higher than expected for a pathogenic variant. This variant has not been reported in the literature in individuals affected with TNFRSF6B-related conditions. ClinVar contains an entry for this variant (Variation ID: 1524137). An algorithm developed to predict the effect of missense changes on protein structure and function outputs the following: PolyPhen-2: "Benign". The methionine amino acid residue is found in multiple mammalian species, which suggests that this missense change does not adversely affect protein function. In summary, the available evidence is currently insufficient to determine the role of this variant in disease. Therefore, it has been classified as a Variant of Uncertain Significance.

Ambry Genetics
Classification: Uncertain significance. Last evaluated: 2024-06-17. Review status: criteria provided, single submitter. Criteria: Ambry Variant Classification Scheme 2023. Collection method: clinical testing. Allele origin: germline.

PreventionGenetics, part of Exact Sciences
Classification: Uncertain significance for TNFRSF6B-related condition. Last evaluated: 2023-06-08. Review status: criteria provided, single submitter. Criteria: ACMG Guidelines, 2015. Collection method: clinical testing. Allele origin: germline.
Comment: The TNFRSF6B c.206C>T variant is predicted to result in the amino acid substitution p.Thr69Met. To our knowledge, this variant has not been reported in the literature. This variant is reported in 0.084% of alleles in individuals of African descent in gnomAD. Although we suspect that this variant may be benign, at this time, the clinical significance of this variant is uncertain due to the absence of conclusive functional and genetic evidence.